The following is an entry in ClinVar:

ClinVar aggregate classification (germline): Uncertain significance (1 of 4 stars; one submission).

Conditions:
Neuropathy, hereditary sensory and autonomic, type 2A (HSAN2A). Also called: MORVAN DISEASE; NEUROPATHY, CONGENITAL SENSORY; NEUROPATHY, HEREDITARY SENSORY RADICULAR, AUTOSOMAL RECESSIVE; NEUROPATHY, HEREDITARY SENSORY, TYPE IIA; NEUROPATHY, PROGRESSIVE SENSORY, OF CHILDREN; ACROOSTEOLYSIS, GIACCAI TYPE. Identifiers: Orphanet 970, MedGen C2752089, MONDO:0024309, OMIM 201300.
Generalized epilepsy with febrile seizures plus, type 7 (GEFSP7). Also called: GEFS+, TYPE 7. Identifiers: Orphanet 36387, MedGen C2751778, MONDO:0013470, OMIM 613863.

Submission:

Labcorp Genetics (formerly Invitae), Labcorp
Classification: Uncertain significance for Neuropathy, hereditary sensory and autonomic, type 2A; Generalized epilepsy with febrile seizures plus, type 7. Last evaluated: 2023-02-27. Review status: criteria provided, single submitter. Criteria: Invitae Variant Classification Sherloc (09022015). Collection method: clinical testing. Allele origin: germline.
Comment: This variant has not been reported in the literature in individuals affected with SCN9A-related conditions. Information on the frequency of this variant in the gnomAD database is not available, as this variant may be reported differently in the database. This variant, c.3176_3178delinsCTT, is a complex sequence change that results in the deletion of 2 and insertion of 2 amino acid(s) in the SCN9A protein (p.Leu1059_Met1060delinsSerLeu). Experimental studies and prediction algorithms are not available or were not evaluated, and the functional significance of this variant is currently unknown. In summary, the available evidence is currently insufficient to determine the role of this variant in disease. Therefore, it has been classified as a Variant of Uncertain Significance.

NM_001365536.1(SCN9A):c.3209_3211delinsCTT (p.Leu1070_Met1071delinsSerLeu)

Genes: SCN9A (sodium voltage-gated channel alpha subunit 9; minus strand), SCN1A-AS1 (SCN1A and SCN9A antisense RNA 1; plus strand). Cytogenetic location: 2q24.3.
Variant type: Indel.
Coding change: c.3209_3211delinsCTT on transcript NM_001365536.1 (MANE Select); coding-DNA positions 3209 to 3211, TGA replaced by CTT.
Protein change: p.Leu1070_Met1071delinsSerLeu.
Molecular consequence: missense variant.
Genome position (GRCh38, 1-based): chr2:166,272,539-166,272,541, TCA replaced by AAG on the plus strand (TGA replaced by CTT on the coding strand, the reverse complement: SCN9A is on the minus strand). VCF-style: chr2-166272539-TCA-AAG. GRCh37 (hg19) VCF-style: chr2-167129049-TCA-AAG.
Other names: c.3176_3178delTGAinsCTT, p.Leu1059_Met1060delinsSerLeu (NM_002977.4).
Identifiers: ClinVar variation 2927871 (VCV002927871.3), dbSNP rs2467983485, ClinGen allele CA2740095849.
Genomic context (GRCh38, chr2:166,272,539, plus strand): 5'-TTGGCACTGTCACTGTGAGGCTGGGATTGTGAATAAATGATTGACCATCACTGTCTTCCA[TCA>AAG]AGTGTTTGTCCACGCTGCTTCCAAAACCACTGATTTTATCTTTTTCCTTGAGGAAATTGT-3'